The following is an entry in ClinVar:

ClinVar aggregate classification (germline): Conflicting classifications of pathogenicity. Review status: criteria provided, conflicting classifications (1 of 4 stars). 6 submissions from 6 submitters: Uncertain significance (5); Likely benign (1). Last evaluated 2026-02-26.

Conditions:
ALK-related disorder. Also called: ALK-related condition.
Neuroblastoma, susceptibility to, 3. Also called: ALK-Related Neuroblastic Tumor Susceptibility. Identifiers: Orphanet 635, MedGen C2751681, MONDO:0013083, OMIM 613014.
Hereditary cancer-predisposing syndrome. Also called: Neoplastic Syndromes, Hereditary; Tumor predisposition; Hereditary Cancer Syndrome; Hereditary neoplastic syndrome. Identifiers: Orphanet 140162, MedGen C0027672, MeSH D009386, MONDO:0015356.

Allele frequency attached by ClinVar (database versions not stated): ExAC 0.00003; gnomAD exomes 0.00004; TOPMed 0.00006; gnomAD 0.00007; ESP Exome Variant Server 0.00008.
gnomAD v4.1: 47 of 1,614,108 alleles (0.0029%); highest among the groups gnomAD compares: South Asian, 0.011%; no homozygotes.

Submissions (6):

PreventionGenetics, part of Exact Sciences
Classification: Uncertain significance for ALK-related condition. Last evaluated: 2026-02-26. Review status: criteria provided, single submitter. Criteria: ACMG Guidelines, 2015. Collection method: clinical testing. Allele origin: germline.
Comment: The ALK c.2623G>A variant is predicted to result in the amino acid substitution p.Gly875Arg. This variant was reported in an individual with breast cancer (McDonald et al. 2022. PubMed ID: 36315513). This variant is reported in 0.016% of alleles in individuals of South Asian descent in gnomAD and has conflicting interpretations in ClinVar ranging from likely benign to uncertain (Variation ID: 582569). Although we suspect that this variant may be benign, at this time, the clinical significance of this variant is uncertain due to the absence of conclusive functional and genetic evidence.

Labcorp Genetics (formerly Invitae), Labcorp
Classification: Uncertain significance for Neuroblastoma, susceptibility to, 3. Last evaluated: 2026-01-26. Review status: criteria provided, single submitter. Criteria: Invitae Variant Classification Sherloc (09022015). Collection method: clinical testing. Allele origin: germline.
Comment: This sequence change replaces glycine, which is neutral and non-polar, with arginine, which is basic and polar, at codon 875 of the ALK protein (p.Gly875Arg). This variant is present in population databases (rs148001139, gnomAD 0.01%). This variant has not been reported in the literature in individuals affected with ALK-related conditions. ClinVar contains an entry for this variant (Variation ID: 582569). An algorithm developed to predict the effect of missense changes on protein structure and function (PolyPhen-2) suggests that this variant is likely to be disruptive. In summary, the available evidence is currently insufficient to determine the role of this variant in disease. Therefore, it has been classified as a Variant of Uncertain Significance.

Ambry Genetics
Classification: Likely benign for Hereditary cancer-predisposing syndrome. Last evaluated: 2024-07-19. Review status: criteria provided, single submitter. Criteria: Ambry Variant Classification Scheme 2023. Collection method: clinical testing. Allele origin: germline.

Baylor Genetics
Classification: Uncertain significance for Neuroblastoma, susceptibility to, 3. Last evaluated: 2024-03-17. Review status: criteria provided, single submitter. Criteria: ACMG Guidelines, 2015. Collection method: clinical testing. Allele origin: unknown. Study: CSER-TexasKidsCanSeq.

GeneDx
Classification: Uncertain significance. Last evaluated: 2023-11-16. Review status: criteria provided, single submitter. Criteria: GeneDx Variant Classification Process June 2021. Collection method: clinical testing. Allele origin: germline. Affected: yes.
Comment: In silico analysis supports that this missense variant has a deleterious effect on protein structure/function; Identified in individual(s) with personal or family history of breast and/or ovarian cancer (PMID: 36315513); This variant is associated with the following publications: (PMID: 25714698, 25054154, 27287813, 36315513)

Institute for Clinical Genetics, University Hospital TU Dresden, University Hospital TU Dresden
Classification: Uncertain significance. Last evaluated: 2021-11-03. Review status: criteria provided, single submitter. Criteria: ACMG Guidelines, 2015. Collection method: clinical testing. Allele origin: germline.

NM_004304.5(ALK):c.2623G>A (p.Gly875Arg)

Gene: ALK (ALK receptor tyrosine kinase; minus strand). Cytogenetic location: 2p23.2.
Variant type: single nucleotide variant.
Coding change: c.2623G>A on transcript NM_004304.5 (MANE Select); coding-DNA position 2623, G replaced by A.
Protein change: p.Gly875Arg; replaces glycine 875 with arginine.
Molecular consequence: missense variant.
Genome position (GRCh38, 1-based): chr2:29,232,313, C>T on the plus strand (G>A on the coding strand, the complement: ALK is on the minus strand). VCF-style: chr2-29232313-C-T. GRCh37 (hg19) VCF-style: chr2-29455179-C-T.
Other names: short protein forms G875R.
Identifiers: ClinVar variation 582569 (VCV000582569.17), dbSNP rs148001139, ClinGen allele CA1594252.